The following is an entry in ClinVar:

ClinVar aggregate classification (germline): Pathogenic (1 of 4 stars; one submission).

Conditions:
Neuronal ceroid lipofuscinosis. Also called: Neuronal Ceroid Lipofuscinoses. Identifiers: Orphanet 216, Orphanet 79263, MedGen C0027877, MONDO:0016295. Disease mechanism: loss of function.

Submission:

Labcorp Genetics (formerly Invitae), Labcorp
Classification: Pathogenic for Neuronal ceroid lipofuscinosis. Last evaluated: 2023-11-07. Review status: criteria provided, single submitter. Criteria: Invitae Variant Classification Sherloc (09022015). Collection method: clinical testing. Allele origin: germline.
Comment: This variant is a gross deletion of the genomic region encompassing exon(s) 10-16 of the CLN3 gene, which includes the termination codon. This deletion extends beyond the assayed region for this gene and therefore may encompass additional genes. While this deletion is not anticipated to lead to nonsense mediated decay, it is expected to alter mRNA translation or result in a truncated protein product. A similar copy number variant has been observed in individual(s) with clinical features of retinitis pigmentosa (Invitae). In at least one individual the data is consistent with being in trans (on the opposite chromosome) from a pathogenic variant. This variant disrupts the p.Arg405 amino acid residue in CLN3. Other variant(s) that disrupt this residue have been determined to be pathogenic (PMID: 24154662, 26766544, 28041643, 28559085). This suggests that this residue is clinically significant, and that variants that disrupt this residue are likely to be disease-causing. For these reasons, this variant has been classified as Pathogenic.

Literature cited by the submitters: PubMed 24154662; PubMed 26766544; PubMed 28041643; PubMed 28559085.

NC_000016.9:g.(?_28488837)_(28495459_?)del

Gene: CLN3 (CLN3 lysosomal/endosomal transmembrane protein, battenin; minus strand). Cytogenetic location: 16p11.2.
Variant type: Deletion.
Identifiers: ClinVar variation 1452713 (VCV001452713.5).